The following is an entry in ClinVar:

ClinVar aggregate classification (germline): Likely benign. Review status: criteria provided, multiple submitters, no conflicts (2 of 4 stars). 2 submissions from 2 submitters: Likely benign (2). Last evaluated 2026-01-23.

Conditions:
CACNA1D-related disorder.

Allele frequency attached by ClinVar (database versions not stated): gnomAD 0.00005; TOPMed 0.00005; ExAC 0.00008; gnomAD exomes 0.00008 and 0.00010; ESP Exome Variant Server 0.00015.
gnomAD v4.1: 152 of 1,614,026 alleles (0.0094%); highest among the groups gnomAD compares: Non-Finnish European, 0.011%; no homozygotes.

Submissions (2):

Labcorp Genetics (formerly Invitae), Labcorp
Classification: Likely benign. Last evaluated: 2026-01-23. Review status: criteria provided, single submitter. Criteria: Invitae Variant Classification Sherloc (09022015). Collection method: clinical testing. Allele origin: germline.

PreventionGenetics, part of Exact Sciences
Classification: Likely benign for CACNA1D-related condition. Last evaluated: 2024-10-07. Review status: criteria provided, single submitter. Criteria: ACMG Guidelines, 2015. Collection method: clinical testing. Allele origin: germline.
Comment: This variant is classified as likely benign based on ACMG/AMP sequence variant interpretation guidelines (Richards et al. 2015 PMID: 25741868, with internal and published modifications).

NM_001128840.3(CACNA1D):c.1440C>T (p.Ser480=)

Gene: CACNA1D (calcium voltage-gated channel subunit alpha1 D; plus strand). Cytogenetic location: 3p21.1.
Variant type: single nucleotide variant.
Coding change: c.1440C>T on transcript NM_001128840.3 (MANE Select); coding-DNA position 1440, C replaced by T.
Protein change: p.Ser480=; no amino-acid change (serine 480 retained).
Molecular consequence: synonymous variant.
Genome position (GRCh38, 1-based): chr3:53,718,350, C>T. VCF-style: chr3-53718350-C-T. GRCh37 (hg19) VCF-style: chr3-53752377-C-T.
Other names: c.1440C>T, p.Ser480= (NM_000720.4, NM_001128839.3).
Identifiers: ClinVar variation 718811 (VCV000718811.8), dbSNP rs35703378, ClinGen allele CA2453949.